The following is an entry in ClinVar:

ClinVar aggregate classification (germline): Uncertain significance (1 of 4 stars; one submission).

Submission:

Labcorp Genetics (formerly Invitae), Labcorp
Classification: Uncertain significance. Last evaluated: 2022-05-25. Review status: criteria provided, single submitter. Criteria: Invitae Variant Classification Sherloc (09022015). Collection method: clinical testing. Allele origin: germline.
Comment: This variant is not present in population databases (gnomAD no frequency). This sequence change replaces aspartic acid, which is acidic and polar, with tyrosine, which is neutral and polar, at codon 659 of the TFRC protein (p.Asp659Tyr). In summary, the available evidence is currently insufficient to determine the role of this variant in disease. Therefore, it has been classified as a Variant of Uncertain Significance. Algorithms developed to predict the effect of missense changes on protein structure and function are either unavailable or do not agree on the potential impact of this missense change (SIFT: "Deleterious"; PolyPhen-2: "Probably Damaging"; Align-GVGD: "Class C0"). This variant has not been reported in the literature in individuals affected with TFRC-related conditions.

NM_001128148.3(TFRC):c.1975G>T (p.Asp659Tyr)

Gene: TFRC (transferrin receptor; minus strand). Cytogenetic location: 3q29.
Variant type: single nucleotide variant.
Coding change: c.1975G>T on transcript NM_001128148.3 (MANE Select); coding-DNA position 1975, G replaced by T.
Protein change: p.Asp659Tyr; replaces aspartic acid 659 with tyrosine.
Molecular consequence: missense variant.
Genome position (GRCh38, 1-based): chr3:196,053,483, C>A on the plus strand (G>T on the coding strand, the complement: TFRC is on the minus strand). VCF-style: chr3-196053483-C-A. GRCh37 (hg19) VCF-style: chr3-195780354-C-A.
Other names: c.1732G>T, p.Asp578Tyr (NM_001313965.2); c.1129G>T, p.Asp377Tyr (NM_001313966.2); c.1975G>T, p.Asp659Tyr (NM_003234.4); short protein forms D377Y, D578Y, D659Y.
Identifiers: ClinVar variation 1998918 (VCV001998918.4), dbSNP rs2473932859, ClinGen allele CA355560987.